The following is an entry in ClinVar:

ClinVar aggregate classification (germline): Pathogenic (1 of 4 stars; one submission).

Conditions:
Congenital myasthenic syndrome 11. Also called: MYASTHENIC SYNDROME, CONGENITAL, Ie; Myasthenic syndrome, congenital, 11, associated with acetylcholine receptor deficiency. Identifiers: Orphanet 590, MedGen C4225367, MONDO:0014588, OMIM 616326.
Fetal akinesia deformation sequence 1 (FADS1). Also called: Fetal akinesia sequence; Pena-Shokeir syndrome type I. Identifiers: Orphanet 994, MedGen C1276035, MONDO:0100101, OMIM 208150, HP:0001989.

Submission:

Labcorp Genetics (formerly Invitae), Labcorp
Classification: Pathogenic for Congenital myasthenic syndrome 11; Fetal akinesia deformation sequence 1. Last evaluated: 2017-06-21. Review status: criteria provided, single submitter. Criteria: Invitae Variant Classification Sherloc (09022015). Collection method: clinical testing. Allele origin: germline.
Comment: This sequence change creates a premature translational stop signal (p.Gln285*) in the RAPSN gene. It is expected to result in an absent or disrupted protein product. This variant is not present in population databases (ExAC no frequency). This variant has not been reported in the literature in individuals with RAPSN-related disease. Loss-of-function variants in RAPSN are known to be pathogenic (PMID: 26782015). For these reasons, this variant has been classified as Pathogenic.

Literature cited by the submitters: PubMed 26782015.

NM_005055.5(RAPSN):c.853C>T (p.Gln285Ter)

Gene: RAPSN (receptor associated protein of the synapse; minus strand). Cytogenetic location: 11p11.2.
Variant type: single nucleotide variant.
Coding change: c.853C>T on transcript NM_005055.5 (MANE Select); coding-DNA position 853, C replaced by T.
Protein change: p.Gln285Ter; replaces glutamine 285 with a stop codon.
Molecular consequence: nonsense. On other transcripts: intron variant (1).
Genome position (GRCh38, 1-based): chr11:47,441,670, G>A on the plus strand (C>T on the coding strand, the complement: RAPSN is on the minus strand). VCF-style: chr11-47441670-G-A. GRCh37 (hg19) VCF-style: chr11-47463222-G-A.
Other names: c.789+153C>T (NM_032645.5); short protein forms Q285*.
Identifiers: ClinVar variation 476126 (VCV000476126.7), dbSNP rs1555142603, ClinGen allele CA380329271.